The following is an entry in ClinVar:

ClinVar aggregate classification (germline): Pathogenic (1 of 4 stars; one submission).

Conditions:
Glycogen storage disease, type V (GSD5). Also called: MCARDLE DISEASE; MUSCLE GLYCOGEN PHOSPHORYLASE DEFICIENCY; MYOPHOSPHORYLASE DEFICIENCY; PYGM DEFICIENCY; McArdle type glycogen storage disease. Identifiers: Orphanet 368, MedGen C0017924, MONDO:0009293, OMIM 232600.

Submission:

Myriad Genetics, Inc.
Classification: Pathogenic for Glycogen storage disease, type V. Last evaluated: 2024-05-14. Review status: criteria provided, single submitter. Criteria: Myriad Autosomal Dominant, Autosomal Recessive and X-Linked Classification Criteria (2023). Collection method: clinical testing. Allele origin: unknown.
Comment: NM_005609.2(PYGM):c.2198_2199ins11(D734Kfs*17) is expected to be pathogenic in the context of glycogen storage disease, PYGM-related. This variant is predicted to lead to an abnormal or absent protein product due to the creation of a premature termination codon in PYGM, a gene where loss-of-function variants are known to be pathogenic. Please note: this variant was assessed in the context of healthy population screening.

NM_005609.4(PYGM):c.2198_2199insTAAGAGACAGT (p.Asp734fs)

Gene: PYGM (glycogen phosphorylase, muscle associated; minus strand). Cytogenetic location: 11q13.1.
Variant type: Insertion.
Coding change: c.2198_2199insTAAGAGACAGT on transcript NM_005609.4 (MANE Select); coding-DNA positions 2198 to 2199, TAAGAGACAGT inserted.
Protein change: p.Asp734fs; shifts the reading frame from aspartic acid 734.
Molecular consequence: frameshift variant.
Genome position: GRCh38 VCF-style: chr11-64747337-G-GACTGTCTCTTA. GRCh37 (hg19) VCF-style: chr11-64514809-G-GACTGTCTCTTA.
Other names: c.1934_1935insTAAGAGACAGT, p.Asp646fs (NM_001164716.1); short protein forms D646fs, D734fs.
Identifiers: ClinVar variation 5011116 (VCV005011116.1).